The following is an entry in ClinVar:

ClinVar aggregate classification (germline): Conflicting classifications of pathogenicity. Review status: criteria provided, conflicting classifications (1 of 4 stars). 2 submissions from 2 submitters: Uncertain significance (1); Likely benign (1). Last evaluated 2026-08-28.

Conditions:
Multiple endocrine neoplasia, type 2 (MEN2). Identifiers: Orphanet 653, MedGen C4048306, MONDO:0019003. Disease mechanism: gain of function.
Hereditary cancer-predisposing syndrome. Also called: Hereditary Cancer Syndrome; Hereditary neoplastic syndrome; Neoplastic Syndromes, Hereditary; Tumor predisposition. Identifiers: Orphanet 140162, MedGen C0027672, MeSH D009386, MONDO:0015356.

Submissions (2):

Ambry Genetics
Classification: Likely benign for Hereditary cancer-predisposing syndrome. Last evaluated: 2026-08-28. Review status: criteria provided, single submitter. Criteria: Ambry Variant Classification Scheme 2023. Collection method: clinical testing. Allele origin: germline.

Labcorp Genetics (formerly Invitae), Labcorp
Classification: Uncertain significance for Multiple endocrine neoplasia, type 2. Last evaluated: 2025-04-17. Review status: criteria provided, single submitter. Criteria: Invitae Variant Classification Sherloc (09022015). Collection method: clinical testing. Allele origin: germline.
Comment: This sequence change replaces alanine, which is neutral and non-polar, with proline, which is neutral and non-polar, at codon 247 of the RET protein (p.Ala247Pro). This variant is not present in population databases (gnomAD no frequency). This variant has not been reported in the literature in individuals affected with RET-related conditions. An algorithm developed to predict the effect of missense changes on protein structure and function outputs the following: PolyPhen-2: "Benign". The proline amino acid residue is found in multiple mammalian species, which suggests that this missense change does not adversely affect protein function. In summary, the available evidence is currently insufficient to determine the role of this variant in disease. Therefore, it has been classified as a Variant of Uncertain Significance.

NM_020975.6(RET):c.739G>C (p.Ala247Pro)

Gene: RET (ret proto-oncogene; plus strand). Cytogenetic location: 10q11.21.
Variant type: single nucleotide variant.
Coding change: c.739G>C on transcript NM_020975.6 (MANE Select); coding-DNA position 739, G replaced by C.
Protein change: p.Ala247Pro; replaces alanine 247 with proline.
Molecular consequence: missense variant. On other transcripts: intron variant (22), 5 prime UTR variant (1).
Genome position (GRCh38, 1-based): chr10:43,105,065, G>C. VCF-style: chr10-43105065-G-C. GRCh37 (hg19) VCF-style: chr10-43600513-G-C.
Other names: c.739G>C, p.Ala247Pro (NM_001406744.1, NM_001406759.1, NM_001406760.1 and 6 more transcripts); c.610G>C, p.Ala204Pro (NM_001406761.1, NM_001406762.1, NM_001406764.1 and 2 more transcripts); c.451G>C, p.Ala151Pro (NM_001406766.1, NM_001406767.1, NM_001406770.1); c.625+2436G>C (NM_001406771.1, NM_001406782.1, NM_001406780.1 and 5 more transcripts); c.496+2436G>C (NM_001406786.1, NM_001406783.1); c.338-3966G>C (NM_001406778.1, NM_001406775.1, NM_001406776.1 and 1 more transcripts); c.-24G>C (NM_001355216.2); c.337+4343G>C (NM_001406790.1, NM_001406788.1, NM_001406789.1 and 1 more transcripts); and 2 more; short protein forms A247P, A151P, A204P.
Identifiers: ClinVar variation 4744095 (VCV004744095.3).
Genomic context (GRCh38, chr10:43,105,065, plus strand): 5'-TGGGCCCTGGACCGCGAGCAGCGGGAGAAGTACGAGCTGGTGGCCGTGTGCACCGTGCAC[G>C]CCGGCGCGCGCGAGGAGGTGGTGATGGTGCCCTTCCCGGTGACCGTGTACGACGAGGACG-3'
Protein context (NP_066124.1, residues 237-257): YELVAVCTVH[Ala247Pro]GAREEVVMVP